The following is an entry in ClinVar:

NM_001844.5(COL2A1):c.3122del (p.Gly1041fs)

Gene: COL2A1 (collagen type II alpha 1 chain; minus strand). Cytogenetic location: 12q13.11.
Variant type: Deletion.
Coding change: c.3122del on transcript NM_001844.5 (MANE Select); coding-DNA position 3122, one base deleted (G; older notation c.3122delG).
Protein change: p.Gly1041fs; shifts the reading frame from glycine 1041.
Molecular consequence: frameshift variant.
Genome position (GRCh38, 1-based): chr12:47,977,643, C deleted on the plus strand (G on the coding strand, the reverse complement: COL2A1 is on the minus strand); the first of 2 consecutive C bases (chr12:47,977,643-47,977,644); deleting either gives the same sequence. VCF-style (leftmost placement, unchanged base first): chr12-47977642-AC-A. GRCh37 (hg19) VCF-style: chr12-48371425-AC-A.
Other names: c.2915del, p.Gly972fs (NM_033150.3); short protein forms G972fs, G1041fs.
Identifiers: ClinVar variation 1452895 (VCV001452895.6), dbSNP rs2136522956, ClinGen allele CA2573148624.

ClinVar aggregate classification (germline): Pathogenic (1 of 4 stars; one submission).

Submission:

Labcorp Genetics (formerly Invitae), Labcorp
Classification: Pathogenic. Last evaluated: 2022-07-26. Review status: criteria provided, single submitter. Criteria: Invitae Variant Classification Sherloc (09022015). Collection method: clinical testing. Allele origin: germline.
Comment: For these reasons, this variant has been classified as Pathogenic. ClinVar contains an entry for this variant (Variation ID: 1452895). This variant has not been reported in the literature in individuals affected with COL2A1-related conditions. This variant is not present in population databases (gnomAD no frequency). This sequence change creates a premature translational stop signal (p.Gly1041Valfs*89) in the COL2A1 gene. It is expected to result in an absent or disrupted protein product. Loss-of-function variants in COL2A1 are known to be pathogenic (PMID: 20179744).

Literature cited by the submitters: PubMed 20179744.